The following is an entry in ClinVar:

NM_020778.5(ALPK3):c.3580dup (p.Arg1194fs)

Gene: ALPK3 (alpha kinase 3; plus strand). Cytogenetic location: 15q25.3.
Variant type: Duplication.
Coding change: c.3580dup on transcript NM_020778.5 (MANE Select); coding-DNA position 3580, one base duplicated (C; older notation c.3580dupC).
Protein change: p.Arg1194fs; shifts the reading frame from arginine 1194.
Molecular consequence: frameshift variant.
Genome position (GRCh38, 1-based): chr15:84,858,318, C duplicated; the last of 6 consecutive C bases (chr15:84,858,313-84,858,318); duplicating any one gives the same sequence. VCF-style (leftmost placement, unchanged base first): chr15-84858312-T-TC. GRCh37 (hg19) VCF-style: chr15-85401543-T-TC.
Other names: c.4186dupC (NM_020778.4); short protein forms R1194fs.
Identifiers: ClinVar variation 636490 (VCV000636490.14), dbSNP rs777315336, ClinGen allele CA7709665.

ClinVar aggregate classification (germline): Pathogenic/Likely pathogenic. Review status: criteria provided, multiple submitters, no conflicts (2 of 4 stars). 5 submissions from 5 submitters: Pathogenic (4); Likely pathogenic (1). Last evaluated 2025-05-14.

Conditions:
Cardiovascular phenotype. Identifiers: MedGen CN230736.
ALPK3-related disorder. Also called: ALPK3-related condition.
Cardiomyopathy, familial hypertrophic 27. Identifiers: MedGen C4748014, MONDO:0054838, OMIM 618052.

Submissions (5):

3billion
Classification: Pathogenic for Cardiomyopathy, familial hypertrophic 27. Last evaluated: 2025-05-14. Review status: criteria provided, single submitter. Criteria: ACMG Guidelines, 2015. Collection method: clinical testing. Allele origin: germline. Affected: yes.
Comment: The variant is observed at an extremely low frequency in the gnomAD v4.1.0 dataset (total allele frequency: <0.001%). Predicted Consequence/Location: Frameshift: predicted to result in a loss or disruption of normal protein function through nonsense-mediated decay (NMD) or protein truncation. Multiple pathogenic variants are reported downstream of the variant. The variant has been reported at least twice as pathogenic with clinical assertions and evidence for the classification (ClinVar ID: VCV000636490 /3billion dataset). Therefore, this variant is classified as Pathogenic according to the recommendation of ACMG/AMP guideline.

Blueprint Genetics
Classification: Likely pathogenic for ALPK3-related disorders. Last evaluated: 2024-08-21. Review status: criteria provided, single submitter. Criteria: ACMG Guidelines, 2015. Collection method: clinical testing. Allele origin: germline. Affected: yes. Observed: 4 variant alleles.

GeneDx
Classification: Pathogenic. Last evaluated: 2023-10-25. Review status: criteria provided, single submitter. Criteria: GeneDx Variant Classification Process June 2021. Collection method: clinical testing. Allele origin: germline. Affected: yes.
Comment: Frameshift variant predicted to result in protein truncation or nonsense mediated decay in a gene for which loss of function is a known mechanism of disease; Not observed at significant frequency in large population cohorts (gnomAD); Has not been previously published as pathogenic or benign to our knowledge

Ambry Genetics
Classification: Pathogenic for Cardiovascular phenotype. Last evaluated: 2023-03-01. Review status: criteria provided, single submitter. Criteria: Ambry Variant Classification Scheme 2023. Collection method: clinical testing. Allele origin: germline.
Comment: The c.4186dupC pathogenic mutation, located in coding exon 6 of the ALPK3 gene, results from a duplication of C at nucleotide position 4186, causing a translational frameshift with a predicted alternate stop codon (p.R1396Pfs*62). This alteration is expected to result in loss of function by premature protein truncation or nonsense-mediated mRNA decay. As such, this alteration is interpreted as a disease-causing mutation.

Labcorp Genetics (formerly Invitae), Labcorp
Classification: Pathogenic. Last evaluated: 2022-08-22. Review status: criteria provided, single submitter. Criteria: Invitae Variant Classification Sherloc (09022015). Collection method: clinical testing. Allele origin: germline.
Comment: This sequence change creates a premature translational stop signal (p.Arg1396Profs*62) in the ALPK3 gene. It is expected to result in an absent or disrupted protein product. Loss-of-function variants in ALPK3 are known to be pathogenic (PMID: 21441111, 26846950, 27106955, 34263907). The frequency data for this variant in the population databases is considered unreliable, as metrics indicate poor data quality at this position in the gnomAD database. This variant has not been reported in the literature in individuals affected with ALPK3-related conditions. ClinVar contains an entry for this variant (Variation ID: 636490). For these reasons, this variant has been classified as Pathogenic.

Literature cited by the submitters: PubMed 21441111 (cited by Labcorp Genetics (formerly Invitae), Labcorp); PubMed 26846950 (cited by Labcorp Genetics (formerly Invitae), Labcorp); PubMed 27106955 (cited by Labcorp Genetics (formerly Invitae), Labcorp); PubMed 34263907 (cited by Labcorp Genetics (formerly Invitae), Labcorp).